The following is an entry in ClinVar:

NM_000218.3(KCNQ1):c.1514+105A>C

Genes: KCNQ1 (potassium voltage-gated channel subfamily Q member 1; plus strand), KCNQ1OT1 (KCNQ1 opposite strand/antisense transcript 1; minus strand). Cytogenetic location: 11p15.5.
Variant type: single nucleotide variant.
Coding change: c.1514+105A>C on transcript NM_000218.3 (MANE Select); 105 bases into the intron after coding-DNA position 1514, A replaced by C.
Molecular consequence: intron variant. On other transcripts: non-coding transcript variant (1).
Genome position (GRCh38, 1-based): chr11:2,662,186, A>C. VCF-style: chr11-2662186-A-C. GRCh37 (hg19) VCF-style: chr11-2683416-A-C.
Other names: c.1244+105A>C (NM_001406837.1); c.1418+105A>C (NM_001406836.1); c.974+105A>C (NM_001406838.1); c.1133+105A>C (NM_181798.2).
Identifiers: ClinVar variation 3251184 (VCV003251184.18), dbSNP rs536623777.

ClinVar aggregate classification (germline): Benign (1 of 4 stars; one submission).

Allele frequency attached by ClinVar (database versions not stated): 1000 Genomes Project 0.00040; 1000 Genomes Project 30x 0.00047.
gnomAD v4.1: 163 of 1,497,830 alleles (0.011%); highest among the groups gnomAD compares: African/African-American, 0.2%; no homozygotes.

Submission:

CeGaT Center for Human Genetics Tuebingen
Classification: Benign. Last evaluated: 2024-07-01. Review status: criteria provided, single submitter. Criteria: CeGaT Center For Human Genetics Tuebingen Variant Classification Criteria Version 2. Collection method: clinical testing. Allele origin: germline. Affected: yes. Observed: 1 variant allele.
Comment: KCNQ1OT1: BS1, BS2